The following is an entry in ClinVar:

ClinVar aggregate classification (germline): Uncertain significance. Review status: criteria provided, multiple submitters, no conflicts (2 of 4 stars). 4 submissions from 4 submitters: Uncertain significance (4). Last evaluated 2025-02-24.

Conditions:
Developmental and epileptic encephalopathy, 69. Also called: EPILEPTIC ENCEPHALOPATHY, EARLY INFANTILE, 69. Identifiers: MedGen C4748988, MONDO:0032657, OMIM 618285.

Allele frequency attached by ClinVar (database versions not stated): gnomAD exomes 0.00001.

Submissions (4):

Labcorp Genetics (formerly Invitae), Labcorp
Classification: Uncertain significance. Last evaluated: 2025-02-24. Review status: criteria provided, single submitter. Criteria: Invitae Variant Classification Sherloc (09022015). Collection method: clinical testing. Allele origin: germline.
Comment: This sequence change creates a premature translational stop signal (p.Arg411*) in the CACNA1E gene. It is expected to result in an absent or disrupted protein product. However, the current clinical and genetic evidence is not sufficient to establish whether loss-of-function variants in CACNA1E cause disease. The frequency data for this variant in the population databases is considered unreliable, as metrics indicate poor data quality at this position in the gnomAD database. This variant has not been reported in the literature in individuals affected with CACNA1E-related conditions. ClinVar contains an entry for this variant (Variation ID: 1443215). In summary, the available evidence is currently insufficient to determine the role of this variant in disease. Therefore, it has been classified as a Variant of Uncertain Significance.

Genome-Nilou Lab
Classification: Uncertain significance for Developmental and epileptic encephalopathy, 69. Last evaluated: 2023-04-11. Review status: criteria provided, single submitter. Criteria: ACMG Guidelines, 2015. Collection method: clinical testing. Allele origin: germline. Affected: no.

GeneDx
Classification: Uncertain significance. Last evaluated: 2022-11-03. Review status: criteria provided, single submitter. Criteria: GeneDx Variant Classification Process June 2021. Collection method: clinical testing. Allele origin: germline. Affected: yes.
Comment: Nonsense variant predicted to result in protein truncation or nonsense mediated decay in a gene or region of a gene for which loss of function is not a well-established mechanism of disease; Has not been previously published as pathogenic or benign to our knowledge

HudsonAlpha Institute for Biotechnology
Classification: Uncertain significance for Developmental and epileptic encephalopathy, 69. Last evaluated: 2022-07-18. Review status: criteria provided, single submitter. Criteria: ACMG Guidelines, 2015. Collection method: research. Allele origin: unknown. Observed: 1 variant allele. Study: HudsonAlpha-AGHI-WGS.
Comment: ACMG codes:PM2_Supporting

NM_001205293.3(CACNA1E):c.1231C>T (p.Arg411Ter)

Gene: CACNA1E (calcium voltage-gated channel subunit alpha1 E; plus strand). Cytogenetic location: 1q25.3.
Variant type: single nucleotide variant.
Coding change: c.1231C>T on transcript NM_001205293.3 (MANE Select); coding-DNA position 1231, C replaced by T.
Protein change: p.Arg411Ter; replaces arginine 411 with a stop codon.
Molecular consequence: nonsense.
Genome position (GRCh38, 1-based): chr1:181,716,045, C>T. VCF-style: chr1-181716045-C-T. GRCh37 (hg19) VCF-style: chr1-181685181-C-T.
Other names: c.1231C>T, p.Arg411Ter (NM_000721.4, NM_001205294.2); c.1231C>T (NM_000721.3); short protein forms R411*.
Identifiers: ClinVar variation 1443215 (VCV001443215.8), dbSNP rs1484841139, ClinGen allele CA343623614.